The following is an entry in ClinVar:

NM_002691.4(POLD1):c.1242+2T>G

Gene: POLD1 (DNA polymerase delta 1, catalytic subunit; plus strand). Cytogenetic location: 19q13.33.
Variant type: single nucleotide variant.
Coding change: c.1242+2T>G on transcript NM_002691.4 (MANE Select); the canonical splice donor site of the intron after coding-DNA position 1242, T replaced by G.
Molecular consequence: splice donor variant.
Genome position (GRCh38, 1-based): chr19:50,403,599, T>G. VCF-style: chr19-50403599-T-G. GRCh37 (hg19) VCF-style: chr19-50906856-T-G.
Other names: c.1242+2T>G (NM_001256849.1, NM_001308632.1).
Identifiers: ClinVar variation 1040736 (VCV001040736.11), dbSNP rs2038752425, ClinGen allele CA406978656.

ClinVar aggregate classification (germline): Uncertain significance (1 of 4 stars; one submission).

Conditions:
POLD1-related polyposis and colorectal cancer syndrome (CRCS10). Also called: Colorectal cancer 10; COLORECTAL CANCER, SUSCEPTIBILITY TO, ON CHROMOSOME 19q; Colorectal cancer, susceptibility to, 10. Identifiers: Orphanet 220460, MedGen C2675481, MONDO:0012953, OMIM 612591.

Submission:

Labcorp Genetics (formerly Invitae), Labcorp
Classification: Uncertain significance for POLD1-related polyposis and colorectal cancer syndrome. Last evaluated: 2022-01-14. Review status: criteria provided, single submitter. Criteria: Invitae Variant Classification Sherloc (09022015). Collection method: clinical testing. Allele origin: germline.
Comment: ClinVar contains an entry for this variant (Variation ID: 1040736). In summary, the available evidence is currently insufficient to determine the role of this variant in disease. Therefore, it has been classified as a Variant of Uncertain Significance. Algorithms developed to predict the effect of sequence changes on RNA splicing suggest that this variant may disrupt the consensus splice site. This variant has not been reported in the literature in individuals affected with POLD1-related conditions. This variant is not present in population databases (gnomAD no frequency). This sequence change affects a donor splice site in intron 10 of the POLD1 gene. Missense variants that disrupt the 3'-5' exonuclease (proof-reading) activity of the POLD1 protein are associated with an increased risk for colonic adenomatous polyps and colon cancer (PMID: 23263490, 23447401). However, loss-of-function variants that result in an absent or severely disrupted POLD1 protein, and missense variants outside the exonuclease domain, are unlikely to be associated with polyposis or colon cancer.

Literature cited by the submitters: PubMed 23263490; PubMed 23447401.